The following is an entry in ClinVar:

NM_198578.4(LRRK2):c.7430G>C (p.Arg2477Pro)

Gene: LRRK2 (leucine rich repeat kinase 2; plus strand). Cytogenetic location: 12q12.
Variant type: single nucleotide variant.
Coding change: c.7430G>C on transcript NM_198578.4 (MANE Select); coding-DNA position 7430, G replaced by C.
Protein change: p.Arg2477Pro; replaces arginine 2477 with proline.
Molecular consequence: missense variant.
Genome position (GRCh38, 1-based): chr12:40,367,045, G>C. VCF-style: chr12-40367045-G-C. GRCh37 (hg19) VCF-style: chr12-40760847-G-C.
Other names: short protein forms R2477P.
Identifiers: ClinVar variation 1758883 (VCV001758883.2), dbSNP rs146428335, ClinGen allele CA384415780.
Genomic context (GRCh38, chr12:40,367,045, plus strand): 5'-ACATATTTTGTTTTTGTAAAGGAAGCCTTAAAAATGTCATGCTGGTATTGGGCTACAACC[G>C]GAAAAATACTGAAGGTACACAAAAGCAGAAAGGTAACATTTAGAAGGATACTGTTTTCCA-3'
Protein context (NP_940980.4, residues 2467-2487): KNVMLVLGYN[Arg2477Pro]KNTEGTQKQK

ClinVar aggregate classification (germline): Uncertain significance (1 of 4 stars; one submission).

Conditions:
Inborn genetic diseases. Identifiers: MedGen C0950123, MeSH D030342.

gnomAD v4.1: 1 of 1,607,684 alleles (0.000062%); highest among the groups gnomAD compares: Non-Finnish European, 0.000085%; no homozygotes.

Submission:

Ambry Genetics
Classification: Uncertain significance for Inborn genetic diseases. Last evaluated: 2022-05-31. Review status: criteria provided, single submitter. Criteria: Ambry Variant Classification Scheme 2023. Collection method: clinical testing. Allele origin: germline.
Comment: The p.R2477P variant (also known as c.7430G>C), located in coding exon 50 of the LRRK2 gene, results from a G to C substitution at nucleotide position 7430. The arginine at codon 2477 is replaced by proline, an amino acid with dissimilar properties. This amino acid position is conserved. In addition, this alteration is predicted to be tolerated by in silico analysis. Since supporting evidence is limited at this time, the clinical significance of this alteration remains unclear.